The following is an entry in ClinVar:

NM_000548.5(TSC2):c.3696T>C (p.Ser1232=)

Gene: TSC2 (TSC complex subunit 2; plus strand). Cytogenetic location: 16p13.3.
Variant type: single nucleotide variant.
Coding change: c.3696T>C on transcript NM_000548.5 (MANE Select); coding-DNA position 3696, T replaced by C.
Protein change: p.Ser1232=; no amino-acid change (serine 1232 retained).
Molecular consequence: synonymous variant.
Genome position (GRCh38, 1-based): chr16:2,081,680, T>C. VCF-style: chr16-2081680-T-C. GRCh37 (hg19) VCF-style: chr16-2131681-T-C.
Other names: c.3564T>C, p.Ser1188= (NM_001077183.3, NM_001370404.1); c.3696T>C, p.Ser1232= (NM_001114382.3); c.3456T>C, p.Ser1152= (NM_001318827.2); c.3420T>C, p.Ser1140= (NM_001318829.2); c.2964T>C, p.Ser988= (NM_001318831.2); c.3597T>C, p.Ser1199= (NM_001318832.2); c.3567T>C, p.Ser1189= (NM_001363528.2, NM_001370405.1, NM_021055.3).
Identifiers: ClinVar variation 536009 (VCV000536009.21), dbSNP rs767812115, ClinGen allele CA048074.

ClinVar aggregate classification (germline): Benign/Likely benign. Review status: criteria provided, multiple submitters, no conflicts (2 of 4 stars). 5 submissions from 5 submitters: Benign (2); Likely benign (3). Last evaluated 2026-01-25.

Conditions:
Hereditary cancer-predisposing syndrome. Also called: Neoplastic Syndromes, Hereditary; Tumor predisposition; Hereditary Cancer Syndrome; Hereditary neoplastic syndrome. Identifiers: Orphanet 140162, MedGen C0027672, MeSH D009386, MONDO:0015356.
Tuberous sclerosis syndrome (TSC). Also called: Tuberous Sclerosis Complex; Tuberous sclerosis. Identifiers: Orphanet 805, MedGen C0041341, MONDO:0001734.
Tuberous sclerosis 2 (TSC2). Identifiers: Orphanet 805, MedGen C1860707, MONDO:0013199, OMIM 613254.

Allele frequency attached by ClinVar (database versions not stated): ExAC 0.00001; gnomAD exomes 0.00001.
gnomAD v4.1: 2 of 1,612,992 alleles (0.00012%); highest among the groups gnomAD compares: Non-Finnish European, 0.00017%; no homozygotes.

Submissions (5):

Labcorp Genetics (formerly Invitae), Labcorp
Classification: Likely benign for Tuberous sclerosis 2. Last evaluated: 2026-01-25. Review status: criteria provided, single submitter. Criteria: Invitae Variant Classification Sherloc (09022015). Collection method: clinical testing. Allele origin: germline.

Myriad Genetics, Inc.
Classification: Benign for Tuberous sclerosis 2. Last evaluated: 2025-05-30. Review status: criteria provided, single submitter. Criteria: Myriad Autosomal Dominant, Autosomal Recessive and X-Linked Classification Criteria (2023). Collection method: clinical testing. Allele origin: unknown.
Comment: This variant is considered benign. This variant is a silent/synonymous amino acid change and it is not expected to impact splicing.

All of Us Research Program, National Institutes of Health
Classification: Likely benign for Tuberous sclerosis syndrome. Last evaluated: 2024-03-24. Review status: criteria provided, single submitter. Criteria: ACMG Guidelines, 2015. Collection method: clinical testing. Allele origin: germline. Inheritance: Autosomal dominant inheritance. Observed: 2 variant alleles, 2 heterozygotes.
Comment: This study involves interpretation of variants in research participants for the purpose of population health screening. Participant phenotype was not available at the time of variant classification. Additional details can be found in publication PMID: 35346344, PMCID: PMC8962531

Genome-Nilou Lab
Classification: Benign for Tuberous sclerosis 2. Last evaluated: 2021-11-07. Review status: criteria provided, single submitter. Criteria: ACMG Guidelines, 2015. Collection method: clinical testing. Allele origin: germline. Affected: no.

Ambry Genetics
Classification: Likely benign for Hereditary cancer-predisposing syndrome. Last evaluated: 2019-06-21. Review status: criteria provided, single submitter. Criteria: Ambry Variant Classification Scheme 2023. Collection method: clinical testing. Allele origin: germline.